The following is an entry in ClinVar:

ClinVar aggregate classification (germline): Uncertain significance. Review status: criteria provided, multiple submitters, no conflicts (2 of 4 stars). 2 submissions from 2 submitters: Uncertain significance (2). Last evaluated 2024-11-02.

Conditions:
Autosomal recessive limb-girdle muscular dystrophy type 2J (LGMDR10). Also called: Limb-girdle muscular dystrophy, type 2J; MUSCULAR DYSTROPHY, LIMB-GIRDLE, AUTOSOMAL RECESSIVE 10. Identifiers: Orphanet 140922, MedGen C1837342, MONDO:0012127, OMIM 608807.
Dilated cardiomyopathy 1G (CMD1G). Identifiers: Orphanet 154, MedGen C1858763, MONDO:0011400, OMIM 604145.

Allele frequency attached by ClinVar (database versions not stated): gnomAD 0.00001; gnomAD exomes 0.00001.
gnomAD v4.1: 10 of 1,613,874 alleles (0.00062%); highest among the groups gnomAD compares: Non-Finnish European, 0.00085%; no homozygotes.

Submissions (2):

Labcorp Genetics (formerly Invitae), Labcorp
Classification: Uncertain significance for Dilated cardiomyopathy 1G; Autosomal recessive limb-girdle muscular dystrophy type 2J. Last evaluated: 2024-11-02. Review status: criteria provided, single submitter. Criteria: Invitae Variant Classification Sherloc (09022015). Collection method: clinical testing. Allele origin: germline.
Comment: This sequence change replaces serine, which is neutral and polar, with asparagine, which is neutral and polar, at codon 34124 of the TTN protein (p.Ser34124Asn). This variant is present in population databases (no rsID available, gnomAD 0.002%). This variant has not been reported in the literature in individuals affected with TTN-related conditions. ClinVar contains an entry for this variant (Variation ID: 2175656). An algorithm developed to predict the effect of missense changes on protein structure and function outputs the following: PolyPhen-2: "Not Available". The asparagine amino acid residue is found in multiple mammalian species, which suggests that this missense change does not adversely affect protein function. This variant is located in the M band of TTN (PMID: 25589632). Non-truncating variants in this region may be relevant for neuromuscular disorders, but have not been definitively shown to cause cardiomyopathy (PMID: 23975875). In summary, the available evidence is currently insufficient to determine the role of this variant in disease. Therefore, it has been classified as a Variant of Uncertain Significance.

Women's Health and Genetics/Laboratory Corporation of America, LabCorp
Classification: Uncertain significance. Last evaluated: 2023-08-19. Review status: criteria provided, single submitter. Criteria: LabCorp Variant Classification Summary - May 2015. Collection method: clinical testing. Allele origin: germline.

Literature cited by the submitters: PubMed 25589632 (cited by Labcorp Genetics (formerly Invitae), Labcorp); PubMed 23975875 (cited by Labcorp Genetics (formerly Invitae), Labcorp).

NM_001267550.2(TTN):c.102371G>A (p.Ser34124Asn)

Genes: TTN-AS1 (TTN antisense RNA 1; plus strand), TTN (titin; minus strand). Cytogenetic location: 2q31.2.
Variant type: single nucleotide variant.
Coding change: c.102371G>A on transcript NM_001267550.2 (MANE Select); coding-DNA position 102371, G replaced by A.
Protein change: p.Ser34124Asn; replaces serine 34124 with asparagine.
Molecular consequence: missense variant.
Genome position (GRCh38, 1-based): chr2:178,534,244, C>T on the plus strand (G>A on the coding strand, the complement: TTN is on the minus strand). VCF-style: chr2-178534244-C-T. GRCh37 (hg19) VCF-style: chr2-179398971-C-T.
Other names: c.97448G>A, p.Ser32483Asn (NM_001256850.1); c.75176G>A, p.Ser25059Asn (NM_003319.4); c.94667G>A, p.Ser31556Asn (NM_133378.4); c.75551G>A, p.Ser25184Asn (NM_133432.3); c.75752G>A, p.Ser25251Asn (NM_133437.4); short protein forms S34124N, S25059N, S25184N, S25251N, S31556N, S32483N.
Identifiers: ClinVar variation 2175656 (VCV002175656.4), dbSNP rs1271436308, ClinGen allele CA349417786.